The following is an entry in ClinVar:

NM_001082486.2(ACD):c.68C>T (p.Pro23Leu)

Gene: ACD (ACD shelterin complex subunit and telomerase recruitment factor; minus strand). Cytogenetic location: 16q22.1.
Variant type: single nucleotide variant.
Coding change: c.68C>T on transcript NM_001082486.2 (MANE Select); coding-DNA position 68, C replaced by T.
Protein change: p.Pro23Leu; replaces proline 23 with leucine.
Molecular consequence: missense variant.
Genome position (GRCh38, 1-based): chr16:67,660,153, G>A on the plus strand (C>T on the coding strand, the complement: ACD is on the minus strand). VCF-style: chr16-67660153-G-A. GRCh37 (hg19) VCF-style: chr16-67694056-G-A.
Other names: c.68C>T, p.Pro23Leu (NM_001410884.1, NM_022914.3); short protein forms P23L.
Identifiers: ClinVar variation 3232667 (VCV003232667.2), dbSNP rs2052976709, ClinGen allele CA396358226.

ClinVar aggregate classification (germline): Conflicting classifications of pathogenicity. Review status: criteria provided, conflicting classifications (1 of 4 stars). 2 submissions from 2 submitters: Uncertain significance (1); Likely benign (1). Last evaluated 2025-03-18.

Conditions:
Inborn genetic diseases. Identifiers: MedGen C0950123, MeSH D030342.
Dyskeratosis congenita, autosomal dominant 6 (DKCA6). Identifiers: Orphanet 3322, MedGen C4225284, MONDO:0014690, OMIM 616553.

Submissions (2):

Labcorp Genetics (formerly Invitae), Labcorp
Classification: Uncertain significance for Dyskeratosis congenita, autosomal dominant 6. Last evaluated: 2025-03-18. Review status: criteria provided, single submitter. Criteria: Invitae Variant Classification Sherloc (09022015). Collection method: clinical testing. Allele origin: germline.
Comment: This sequence change replaces proline, which is neutral and non-polar, with leucine, which is neutral and non-polar, at codon 109 of the ACD protein (p.Pro109Leu). This variant is not present in population databases (gnomAD no frequency). This variant has not been reported in the literature in individuals affected with ACD-related conditions. ClinVar contains an entry for this variant (Variation ID: 3232667). Invitae Evidence Modeling of protein sequence and biophysical properties (such as structural, functional, and spatial information, amino acid conservation, physicochemical variation, residue mobility, and thermodynamic stability) indicates that this missense variant is not expected to disrupt ACD protein function with a negative predictive value of 80%. In summary, the available evidence is currently insufficient to determine the role of this variant in disease. Therefore, it has been classified as a Variant of Uncertain Significance.

Ambry Genetics
Classification: Likely benign for Inborn genetic diseases. Last evaluated: 2024-01-27. Review status: criteria provided, single submitter. Criteria: Ambry Variant Classification Scheme 2023. Collection method: clinical testing. Allele origin: germline.